The following is an entry in ClinVar:

ClinVar aggregate classification (germline): Uncertain significance (1 of 4 stars; one submission).

Submission:

Labcorp Genetics (formerly Invitae), Labcorp
Classification: Uncertain significance. Last evaluated: 2023-08-23. Review status: criteria provided, single submitter. Criteria: Invitae Variant Classification Sherloc (09022015). Collection method: clinical testing. Allele origin: germline.
Comment: In summary, the available evidence is currently insufficient to determine the role of this variant in disease. Therefore, it has been classified as a Variant of Uncertain Significance. Experimental studies and prediction algorithms are not available or were not evaluated, and the functional significance of this variant is currently unknown. This variant has not been reported in the literature in individuals affected with CDK13-related conditions. This variant is not present in population databases (gnomAD no frequency). This variant, c.234_236del, results in the deletion of 1 amino acid(s) of the CDK13 protein (p.Ser79del), but otherwise preserves the integrity of the reading frame.

NM_003718.5(CDK13):c.228CTC[2] (p.Ser79del)

Genes: CDK13 (cyclin dependent kinase 13; plus strand), LOC129998292 (ATAC-STARR-seq lymphoblastoid silent region 18115; plus strand). Cytogenetic location: 7p14.1.
Variant type: Microsatellite.
Coding change: c.228CTC[2] on transcript NM_003718.5 (MANE Select); two copies in a row of the 3-base unit CTC starting at c.228; the reference has three copies in a row; one copy, 3 bases deleted.
Protein change: p.Ser79del; deletes serine 79.
Molecular consequence: inframe indel (on NM_031267.4).
Genome position (GRCh38, 1-based): chr7:39,950,875-39,950,877, CTC deleted; deleting any 3 consecutive bases within chr7:39,950,868-39,950,877 gives the same sequence; the position shown is the placement nearest the transcript's 3' end. VCF-style (leftmost placement, unchanged base first): chr7-39950867-GCCT-G. GRCh37 (hg19) VCF-style: chr7-39990466-GCCT-G.
Other names: c.228_230CTC[2], p.Ser79del (NM_031267.4); short protein forms S79del.
Identifiers: ClinVar variation 2890039 (VCV002890039.3), dbSNP rs1341452721, ClinGen allele CA838403443.